The following is an entry in ClinVar:

ClinVar aggregate classification (germline): Uncertain significance (1 of 4 stars; one submission).

Submission:

GeneDx
Classification: Uncertain significance. Last evaluated: 2019-05-28. Review status: criteria provided, single submitter. Criteria: GeneDx Variant Classification Process June 2021. Collection method: clinical testing. Allele origin: germline. Affected: yes.
Comment: Not observed in large population cohorts (Lek et al., 2016); In silico analysis, which includes protein predictors and evolutionary conservation, supports a deleterious effect; Has not been previously published as pathogenic or benign to our knowledge

NM_000222.3(KIT):c.1808T>C (p.Val603Ala)

Gene: KIT (KIT proto-oncogene, receptor tyrosine kinase; plus strand). Cytogenetic location: 4q12.
Variant type: single nucleotide variant.
Coding change: c.1808T>C on transcript NM_000222.3 (MANE Select); coding-DNA position 1808, T replaced by C.
Protein change: p.Val603Ala; replaces valine 603 with alanine.
Molecular consequence: missense variant.
Genome position (GRCh38, 1-based): chr4:54,727,856, T>C. VCF-style: chr4-54727856-T-C. GRCh37 (hg19) VCF-style: chr4-55594022-T-C.
Other names: c.1796T>C, p.Val599Ala (NM_001093772.2, NM_001385286.1); c.1811T>C, p.Val604Ala (NM_001385284.1, NM_001385290.1); c.1808T>C, p.Val603Ala (NM_001385285.1); c.1799T>C, p.Val600Ala (NM_001385288.1, NM_001385292.1); short protein forms V599A, V600A, V603A, V604A.
Identifiers: ClinVar variation 1317202 (VCV001317202.2), dbSNP rs2109779589, ClinGen allele CA356907962.